The following is an entry in ClinVar:

ClinVar aggregate classification (germline): Pathogenic. Review status: criteria provided, multiple submitters, no conflicts (2 of 4 stars). 2 submissions from 2 submitters: Pathogenic (2). Last evaluated 2023-05-15.

Conditions:
Familial adenomatous polyposis 1 (FAP1). Also called: POLYPOSIS, ADENOMATOUS INTESTINAL; FAMILIAL ADENOMATOUS POLYPOSIS 1, ATTENUATED. Identifiers: MedGen C2713442, MONDO:0021056, OMIM 175100. Disease mechanism: loss of function.

Submissions (2):

Myriad Genetics, Inc.
Classification: Pathogenic for Familial adenomatous polyposis 1. Last evaluated: 2023-05-15. Review status: criteria provided, single submitter. Criteria: Myriad Autosomal Dominant, Autosomal Recessive and X-Linked Classification Criteria (2023). Collection method: clinical testing. Allele origin: unknown.
Comment: This variant is considered pathogenic. This variant creates a frameshift predicted to result in premature protein truncation.

Labcorp Genetics (formerly Invitae), Labcorp
Classification: Pathogenic for Familial adenomatous polyposis 1. Last evaluated: 2020-02-08. Review status: criteria provided, single submitter. Criteria: Invitae Variant Classification Sherloc (09022015). Collection method: clinical testing. Allele origin: germline.
Comment: This sequence change results in a premature translational stop signal in the APC gene (p.Glu1985Glyfs*55). While this is not anticipated to result in nonsense mediated decay, it is expected to disrupt the last 859 amino acids of the APC protein. This variant is not present in population databases (ExAC no frequency). This variant has not been reported in the literature in individuals with APC-related conditions. This variant is expected to disrupt the EB1 and HDLG binding sites, which mediate interactions with the cytoskeleton (PMID: 15311282, 17293347). While functional studies have not been performed to directly test the effect on APC protein function, this suggests that disruption of the C-terminal portion of the protein is functionally important. A different truncation (p.Tyr2645Lysfs*14) that lies downstream of this variant has been determined to be pathogenic (PMID: 9824584, 1316610, 27081525, 8381579, 22135120, Invitae). This suggests that deletion of this region of the APC protein is causative of disease. For these reasons, this variant has been classified as Pathogenic.

Literature cited by the submitters: PubMed 15311282 (cited by Labcorp Genetics (formerly Invitae), Labcorp); PubMed 17293347 (cited by Labcorp Genetics (formerly Invitae), Labcorp); PubMed 9824584 (cited by Labcorp Genetics (formerly Invitae), Labcorp); PubMed 1316610 (cited by Labcorp Genetics (formerly Invitae), Labcorp); PubMed 27081525 (cited by Labcorp Genetics (formerly Invitae), Labcorp); PubMed 8381579 (cited by Labcorp Genetics (formerly Invitae), Labcorp); PubMed 22135120 (cited by Labcorp Genetics (formerly Invitae), Labcorp).

NM_000038.6(APC):c.5954_5966del (p.Glu1985fs)

Gene: APC (APC regulator of Wnt signaling pathway; plus strand). Cytogenetic location: 5q22.2.
Variant type: Deletion.
Coding change: c.5954_5966del on transcript NM_000038.6 (MANE Select); coding-DNA positions 5954 to 5966, 13 bases deleted (AACCTATCAAAGA).
Protein change: p.Glu1985fs; shifts the reading frame from glutamic acid 1985.
Molecular consequence: frameshift variant.
Genome position (GRCh38, 1-based): chr5:112,841,548-112,841,560, AACCTATCAAAGA deleted. VCF-style (leftmost placement, unchanged base first): chr5-112841547-GAACCTATCAAAGA-G. GRCh37 (hg19) VCF-style: chr5-112177244-GAACCTATCAAAGA-G.
Other names: c.5954_5966del, p.Glu1985fs (NM_001127510.3, NM_001354895.2); c.5900_5912del, p.Glu1967fs (NM_001127511.3); c.6008_6020del, p.Glu2003fs (NM_001354896.2); c.5984_5996del, p.Glu1995fs (NM_001354897.2); c.5879_5891del, p.Glu1960fs (NM_001354898.2); c.5870_5882del, p.Glu1957fs (NM_001354899.2); c.5831_5843del, p.Glu1944fs (NM_001354900.2); c.5777_5789del, p.Glu1926fs (NM_001354901.2); and 5 more; short protein forms E1702fs, E1825fs, E1859fs, E1884fs, E1894fs, E1926fs, E1944fs, E1957fs.
Identifiers: ClinVar variation 1073251 (VCV001073251.48), dbSNP rs2149953340, ClinGen allele CA2499217494.